The following is an entry in ClinVar:

NC_000021.8:g.(?_45705870)_(45711113_?)del

Gene: AIRE (autoimmune regulator; plus strand). Cytogenetic location: 21q22.3.
Variant type: Deletion.
Identifiers: ClinVar variation 1071372 (VCV001071372.1).

ClinVar aggregate classification (germline): Pathogenic (1 of 4 stars; one submission).

Conditions:
Polyglandular autoimmune syndrome, type 1 (APS1). Also called: Autoimmune polyendocrinopathy syndrome , type I, with or without reversible metaphyseal dysplasia; Autoimmune polyendocrine syndrome type 1; Autoimmune polyendocrinopathy syndrome, type I; PGA I; Whitaker syndrome; AUTOIMMUNE POLYENDOCRINE SYNDROME, TYPE I, WITH OR WITHOUT REVERSIBLE METAPHYSEAL DYSPLASIA. Identifiers: Orphanet 3453, MedGen C0085859, MONDO:0009411, OMIM 240300.

Submission:

Labcorp Genetics (formerly Invitae), Labcorp
Classification: Pathogenic for Polyglandular autoimmune syndrome, type 1. Last evaluated: 2020-03-03. Review status: criteria provided, single submitter. Criteria: Invitae Variant Classification Sherloc (09022015). Collection method: clinical testing. Allele origin: germline.
Comment: This variant is a gross deletion of the genomic region encompassing exons 1-8 of the AIRE gene, which includes the initiator codon. The 5' end of this event is unknown as it extends beyond the assayed region for this gene and therefore may encompass additional genes. The 3' boundary is likely confined to intron 8 of the AIRE gene. This is expected to result in an absent or disrupted protein product. This variant has been observed in individual(s) with autoimmune polyendocrinopathy-candidiasis-ectodermal dystrophy (Invitae). Loss-of-function variants in AIRE are known to be pathogenic (PMID: 11524731, 26141571). For these reasons, this variant has been classified as Pathogenic.

Literature cited by the submitters: PubMed 11524731; PubMed 26141571.